The following is an entry in ClinVar:

NM_006767.4(LZTR1):c.264-3C>G

Gene: LZTR1 (leucine zipper like post translational regulator 1; plus strand). Cytogenetic location: 22q11.21.
Variant type: single nucleotide variant.
Coding change: c.264-3C>G on transcript NM_006767.4 (MANE Select); 3 bases into the intron before coding-DNA position 264, C replaced by G.
Molecular consequence: intron variant.
Genome position (GRCh38, 1-based): chr22:20,985,838, C>G. VCF-style: chr22-20985838-C-G. GRCh37 (hg19) VCF-style: chr22-21340127-C-G.
Identifiers: ClinVar variation 4615603 (VCV004615603.2).

ClinVar aggregate classification (germline): Uncertain significance. Review status: criteria provided, multiple submitters, no conflicts (2 of 4 stars). 2 submissions from 2 submitters: Uncertain significance (2). Last evaluated 2026-03-19.

Conditions:
Cardiovascular phenotype. Identifiers: MedGen CN230736.
Hereditary cancer-predisposing syndrome. Also called: Hereditary neoplastic syndrome; Neoplastic Syndromes, Hereditary; Tumor predisposition; Hereditary Cancer Syndrome. Identifiers: Orphanet 140162, MedGen C0027672, MeSH D009386, MONDO:0015356.

Submissions (2):

GeneDx
Classification: Uncertain significance. Last evaluated: 2026-03-19. Review status: criteria provided, single submitter. Criteria: GeneDx Variant Classification Process June 2021. Collection method: clinical testing. Allele origin: germline.
Comment: Not observed at significant frequency in large population cohorts (gnomAD); In silico analysis supports a deleterious effect on splicing; Has not been previously published as pathogenic or benign to our knowledge

Ambry Genetics
Classification: Uncertain significance for Cardiovascular phenotype; Hereditary cancer-predisposing syndrome. Last evaluated: 2025-09-15. Review status: criteria provided, single submitter. Criteria: Ambry Variant Classification Scheme 2023. Collection method: clinical testing. Allele origin: germline.
Comment: The c.264-3C>G intronic variant results from a C to G substitution 3 nucleotides upstream from coding exon 3 in the LZTR1 gene. This nucleotide position is not well conserved in available vertebrate species. In silico splice site analysis predicts that this alteration will weaken the native splice acceptor site. Based on the available evidence, the clinical significance of this variant remains unclear.